The following is an entry in ClinVar:

NM_177438.3(DICER1):c.5625C>A (p.Asp1875Glu)

Gene: DICER1 (dicer 1, ribonuclease III; minus strand). Cytogenetic location: 14q32.13.
Variant type: single nucleotide variant.
Coding change: c.5625C>A on transcript NM_177438.3 (MANE Select); coding-DNA position 5625, C replaced by A.
Protein change: p.Asp1875Glu; replaces aspartic acid 1875 with glutamic acid.
Molecular consequence: missense variant. On other transcripts: non-coding transcript variant (6).
Genome position (GRCh38, 1-based): chr14:95,090,642, G>T on the plus strand (C>A on the coding strand, the complement: DICER1 is on the minus strand). VCF-style: chr14-95090642-G-T. GRCh37 (hg19) VCF-style: chr14-95556979-G-T.
Other names: c.5462C>A, p.Thr1821Lys (NM_001195573.1); c.5625C>A, p.Asp1875Glu (NM_001271282.3, NM_001291628.2, NM_001395677.1 and 8 more transcripts); c.5343C>A, p.Asp1781Glu (NM_001395686.1); c.5220C>A, p.Asp1740Glu (NM_001395687.1, NM_001395688.1, NM_001395689.1 and 1 more transcripts); c.5058C>A, p.Asp1686Glu (NM_001395691.1); c.3942C>A, p.Asp1314Glu (NM_001395697.1); short protein forms D1314E, T1821K, D1740E, D1781E, D1875E, D1686E.
Identifiers: ClinVar variation 1748715 (VCV001748715.2), dbSNP rs781156066, ClinGen allele CA390863688.

ClinVar aggregate classification (germline): Uncertain significance (1 of 4 stars; one submission).

Conditions:
Hereditary cancer-predisposing syndrome. Also called: Hereditary Cancer Syndrome; Hereditary neoplastic syndrome; Neoplastic Syndromes, Hereditary; Tumor predisposition. Identifiers: Orphanet 140162, MedGen C0027672, MeSH D009386, MONDO:0015356.

Submission:

Ambry Genetics
Classification: Uncertain significance for Hereditary cancer-predisposing syndrome. Last evaluated: 2022-10-04. Review status: criteria provided, single submitter. Criteria: Ambry Variant Classification Scheme 2023. Collection method: clinical testing. Allele origin: germline.
Comment: The p.D1875E variant (also known as c.5625C>A), located in coding exon 26 of the DICER1 gene, results from a C to A substitution at nucleotide position 5625. The aspartic acid at codon 1875 is replaced by glutamic acid, an amino acid with highly similar properties. This amino acid position is conserved. In addition, this alteration is predicted to be tolerated by in silico analysis. Since supporting evidence is limited at this time, the clinical significance of this alteration remains unclear.